The following is an entry in ClinVar:

ClinVar aggregate classification (germline): Likely benign (1 of 4 stars; one submission).

Submission:

Dasa
Classification: Likely benign. Last evaluated: 2025-07-05. Review status: criteria provided, single submitter. Criteria: DASA Assertion Criteria. Collection method: clinical testing. Allele origin: germline.
Comment: NM_020706.2(SCAF4):c.712C>A (p.Pro238Thr) is a missense variant that results in the substitution of proline with threonine. Multiple computational predictions suggest no deleterious effect on the gene or gene product. The variant is present at low frequency in population datasets. Based on the available data, this variant is classified as likely benign.

NM_020706.2(SCAF4):c.712C>A (p.Pro238Thr)

Gene: SCAF4 (SR-related CTD associated factor 4; minus strand). Cytogenetic location: 21q22.11.
Variant type: single nucleotide variant.
Coding change: c.712C>A on transcript NM_020706.2 (MANE Select); coding-DNA position 712, C replaced by A.
Protein change: p.Pro238Thr; replaces proline 238 with threonine.
Molecular consequence: missense variant.
Genome position (GRCh38, 1-based): chr21:31,701,060, G>T on the plus strand (C>A on the coding strand, the complement: SCAF4 is on the minus strand). VCF-style: chr21-31701060-G-T. GRCh37 (hg19) VCF-style: chr21-33073373-G-T.
Other names: c.667C>A, p.Pro223Thr (NM_001145444.1); c.712C>A, p.Pro238Thr (NM_001145445.1); short protein forms P223T, P238T.
Identifiers: ClinVar variation 4851937 (VCV004851937.1).
Genomic context (GRCh38, chr21:31,701,060, plus strand): 5'-CAAATGCAGTTTTCTGTTCAGGTGGGGGGAAAGCAGCTTTTTGTTCAGATGGTTGTGTAG[G>T]AGTTGTCTTTAACTGAGCTGTGATAGCCTGAACCTGAGCCATCACAGCATTGTCAAGGGC-3'
Protein context (NP_065757.1, residues 228-248): QAITAQLKTT[Pro238Thr]TQPSEQKAAF